The following is an entry in ClinVar:

NM_014423.4(AFF4):c.3256C>G (p.Pro1086Ala)

Gene: AFF4 (ALF transcription elongation factor 4; minus strand). Cytogenetic location: 5q31.1.
Variant type: single nucleotide variant.
Coding change: c.3256C>G on transcript NM_014423.4 (MANE Select); coding-DNA position 3256, C replaced by G.
Protein change: p.Pro1086Ala; replaces proline 1086 with alanine.
Molecular consequence: missense variant.
Genome position (GRCh38, 1-based): chr5:132,883,448, G>C on the plus strand (C>G on the coding strand, the complement: AFF4 is on the minus strand). VCF-style: chr5-132883448-G-C. GRCh37 (hg19) VCF-style: chr5-132219140-G-C.
Other names: c.3256C>G (NM_014423.3); short protein forms P1086A.
Identifiers: ClinVar variation 1703093 (VCV001703093.6), dbSNP rs1760036753, ClinGen allele CA360967221.
Genomic context (GRCh38, chr5:132,883,448, plus strand): 5'-CATAGAGGAAGTTGGATGTGACCTGAACATAGCTGGCTGCCATCTGGTGGATCTTCTGTG[G>C]AATGGTCACTGAAGAACCACTTGCAGAAGCACTACTGGCCCCAGATGAATAATTTCCTGA-3'
Protein context (NP_055238.1, residues 1076-1096): ASASGSSVTI[Pro1086Ala]QKIHQMAASY

ClinVar aggregate classification (germline): Uncertain significance. Review status: criteria provided, multiple submitters, no conflicts (2 of 4 stars). 3 submissions from 3 submitters: Uncertain significance (3). Last evaluated 2024-04-09.

Conditions:
Inborn genetic diseases. Identifiers: MedGen C0950123, MeSH D030342.
Cognitive impairment - coarse facies - heart defects - obesity - pulmonary involvement - short stature - skeletal dysplasia syndrome. Also called: COGNITIVE IMPAIRMENT, COARSE FACIES, HEART DEFECTS, OBESITY, PULMONARY INVOLVEMENT, SHORT STATURE, AND SKELETAL DYSPLASIA; Chops syndrome; AFF4-Related CHOPS Syndrome. Identifiers: Orphanet 444077, MedGen C4085597, MONDO:0014609, OMIM 616368.

Allele frequency attached by ClinVar (database versions not stated): TOPMed below 0.00001.

Submissions (3):

Ambry Genetics
Classification: Uncertain significance for Inborn genetic diseases. Last evaluated: 2024-04-09. Review status: criteria provided, single submitter. Criteria: Ambry Variant Classification Scheme 2023. Collection method: clinical testing. Allele origin: germline.

Greenwood Genetic Center Diagnostic Laboratories, Greenwood Genetic Center
Classification: Uncertain significance. Last evaluated: 2022-06-03. Review status: criteria provided, single submitter. Criteria: ACMG Guidelines, 2015. Collection method: clinical testing. Allele origin: germline. Affected: yes.
Comment: PM2

Revvity Omics, Revvity
Classification: Uncertain significance for Cognitive impairment - coarse facies - heart defects - obesity - pulmonary involvement - short stature - skeletal dysplasia syndrome. Last evaluated: 2021-12-28. Review status: criteria provided, single submitter. Criteria: ACMG Guidelines, 2015. Collection method: clinical testing. Allele origin: germline.